The following is an entry in ClinVar:

NM_005670.4(EPM2A):c.377T>C (p.Ile126Thr)

Gene: EPM2A (EPM2A glucan phosphatase, laforin; minus strand). Cytogenetic location: 6q24.3.
Variant type: single nucleotide variant.
Coding change: c.377T>C on transcript NM_005670.4 (MANE Select); coding-DNA position 377, T replaced by C.
Protein change: p.Ile126Thr; replaces isoleucine 126 with threonine.
Molecular consequence: missense variant. On other transcripts: 5 prime UTR variant (5), non-coding transcript variant (1).
Genome position (GRCh38, 1-based): chr6:145,686,221, A>G on the plus strand (T>C on the coding strand, the complement: EPM2A is on the minus strand). VCF-style: chr6-145686221-A-G. GRCh37 (hg19) VCF-style: chr6-146007357-A-G.
Other names: NR_153398.2:n.192T>C; c.377T>C, p.Ile126Thr (NM_001018041.2, NM_001360057.2, NM_001368130.1); c.-38T>C (NM_001360064.2, NM_001360071.2, NM_001368131.1); c.-247T>C (NM_001368129.2, NM_001368132.1); short protein forms I126T.
Identifiers: ClinVar variation 3377580 (VCV003377580.2).
Genomic context (GRCh38, chr6:145,686,221, plus strand): 5'-TAGAAGTCTGTTGTGTGCTTCATTTCATTGGTGTGCCCAGTGGCCTCAATCCAGTGTCCT[A>G]TTGGGAGACAATACACACCATCCACCAAGTTGTTTTCATTGTAAGTACAGCAACGGTCAT-3'
Protein context (NP_005661.1, residues 116-136): NLVDGVYCLP[Ile126Thr]GHWIEATGHT

ClinVar aggregate classification (germline): Uncertain significance. Review status: criteria provided, multiple submitters, no conflicts (2 of 4 stars). 2 submissions from 2 submitters: Uncertain significance (2). Last evaluated 2025-01-06.

Conditions:
Lafora disease. Also called: Epilepsy progressive myoclonic 2; Progressive Myoclonus Epilepsy, Lafora Type. Identifiers: Orphanet 501, MedGen C0751783, MONDO:0009697.
Myoclonic epilepsy of Lafora 1 (MELF1). Also called: EPILEPSY, PROGRESSIVE MYOCLONIC, 2A; LAFORA DISEASE 1; Epilepsy, progressive myoclonic 2A (Lafora); EPM2A-Related Lafora Disease. Identifiers: MedGen CN377204, MONDO:0958199, OMIM 254780.

gnomAD v4.1: 1 of 1,613,628 alleles (0.000062%); highest among the groups gnomAD compares: Non-Finnish European, 0.000085%; no homozygotes.

Submissions (2):

Broad Center for Mendelian Genomics, Broad Institute of MIT and Harvard
Classification: Uncertain significance for Lafora disease. Last evaluated: 2025-01-06. Review status: criteria provided, single submitter. Criteria: ACMG Guidelines, 2015. Collection method: curation. Allele origin: germline. Inheritance: Autosomal recessive inheritance.
Comment: The p.Ile126Thr variant in EPM2A has not been previously reported in the literature in individuals with Lafora disease, but has been identified in 0.001% (1/68022) of European (non-Finnish) chromosomes by the Genome Aggregation Database (gnomAD; dbSNP ID: rs1243457783). Although this variant has been seen in the general population in a heterozygous state, its frequency is low enough to be consistent with a recessive carrier frequency. In vitro functional studies provide some evidence that the p.Ile126Thr variant may impact protein function (PMID: 25544560; Brewer et al. 2019). However, these types of assays may not accurately represent biological function. Computational prediction tools and conservation analyses suggest that this variant may impact the protein, though this information is not predictive enough to determine pathogenicity. In summary, while there is some suspicion for a pathogenic role, the clinical significance of this variant is uncertain. ACMG/AMP Criteria applied: PP3_moderate, PS3_supporting, PM2_supporting (Richards 2015).

Neuberg Centre For Genomic Medicine, NCGM
Classification: Uncertain significance for Myoclonic epilepsy of Lafora 1. Last evaluated: 2023-06-22. Review status: criteria provided, single submitter. Criteria: ACMG Guidelines, 2015. Collection method: clinical testing. Allele origin: germline. Inheritance: Autosomal recessive inheritance. Affected: yes.
Comment: The observed missense c.377T>C(p.Ile126Thr) variant in EPM2A gene has not been reported previously as a pathogenic variant nor as a benign variant, to our knowledge. This variant is absent in gnomAD Exomes. The amino acid Ile at position 126 is changed to a Thr changing protein sequence and it might alter its composition and physico-chemical properties. The amino acid change p.Ile126Thr in EPM2A is predicted as conserved by GERP++ and PhyloP across 100 vertebrates. Multiple lines of computational evidence (Polyphen - Damaging, SIFT - Damaging, and MutationTaster - Disease causing) predict a damaging effect on protein structure and function for this variant. For these reasons, this variant has been classified as Uncertain Significance.

Literature cited by the submitters: PubMed 25544560 (cited by Broad Center for Mendelian Genomics, Broad Institute of MIT and Harvard).